The following is an entry in ClinVar:

NM_006892.4(DNMT3B):c.145C>T (p.Arg49Ter)

Gene: DNMT3B (DNA methyltransferase 3 beta; plus strand). Cytogenetic location: 20q11.21.
Variant type: single nucleotide variant.
Coding change: c.145C>T on transcript NM_006892.4 (MANE Select); coding-DNA position 145, C replaced by T.
Protein change: p.Arg49Ter; replaces arginine 49 with a stop codon.
Molecular consequence: nonsense.
Genome position (GRCh38, 1-based): chr20:32,781,355, C>T. VCF-style: chr20-32781355-C-T. GRCh37 (hg19) VCF-style: chr20-31369161-C-T.
Other names: c.145C>T, p.Arg49Ter (NM_001207055.2, NM_001207056.2, NM_175848.2 and 1 more transcripts); c.181C>T, p.Arg61Ter (NM_175850.3); short protein forms R61*, R49*.
Identifiers: ClinVar variation 950309 (VCV000950309.7), dbSNP rs1978602545, ClinGen allele CA408584964.

ClinVar aggregate classification (germline): Pathogenic (1 of 4 stars; one submission).

Conditions:
Centromeric instability of chromosomes 1,9 and 16 and immunodeficiency (ICF1). Also called: IMMUNE DEFICIENCY, VARIABLE, WITH CENTROMERIC INSTABILITY OF CHROMOSOMES 1, 9, AND 16; IMMUNODEFICIENCY SYNDROME, VARIABLE; Immunodeficiency-centromeric instability-facial anomalies; CENTROMERIC INSTABILITY, IMMUNODEFICIENCY SYNDROME. Identifiers: Orphanet 2268, MedGen C0398788, MONDO:0000133.

Allele frequency attached by ClinVar (database versions not stated): TOPMed 0.00001.

Submission:

Labcorp Genetics (formerly Invitae), Labcorp
Classification: Pathogenic for Centromeric instability of chromosomes 1,9 and 16 and immunodeficiency. Last evaluated: 2023-04-06. Review status: criteria provided, single submitter. Criteria: Invitae Variant Classification Sherloc (09022015). Collection method: clinical testing. Allele origin: germline.
Comment: This sequence change creates a premature translational stop signal (p.Arg49*) in the DNMT3B gene. It is expected to result in an absent or disrupted protein product. Loss-of-function variants in DNMT3B are known to be pathogenic (PMID: 11102980). This variant is not present in population databases (gnomAD no frequency). This variant has not been reported in the literature in individuals affected with DNMT3B-related conditions. ClinVar contains an entry for this variant (Variation ID: 950309). For these reasons, this variant has been classified as Pathogenic.

Literature cited by the submitters: PubMed 11102980.